The following is an entry in ClinVar:

NM_001378609.3(OTOGL):c.2564C>T (p.Pro855Leu)

Gene: OTOGL (otogelin like; plus strand). Cytogenetic location: 12q21.31.
Variant type: single nucleotide variant.
Coding change: c.2564C>T on transcript NM_001378609.3 (MANE Select); coding-DNA position 2564, C replaced by T.
Protein change: p.Pro855Leu; replaces proline 855 with leucine.
Molecular consequence: missense variant.
Genome position (GRCh38, 1-based): chr12:80,271,693, C>T. VCF-style: chr12-80271693-C-T. GRCh37 (hg19) VCF-style: chr12-80665473-C-T.
Other names: c.2564C>T, p.Pro855Leu (NM_001368062.3, NM_001378610.3, NM_173591.7); short protein forms P846L, P855L.
Identifiers: ClinVar variation 229115 (VCV000229115.21), dbSNP rs183159689, ClinGen allele CA6700846.

ClinVar aggregate classification (germline): Conflicting classifications of pathogenicity. Review status: criteria provided, conflicting classifications (1 of 4 stars). 6 submissions from 6 submitters: Uncertain significance (3); Likely benign (2). 1 of the submissions does not count toward it. Last evaluated 2025-10-01.

Conditions:
OTOGL-related disorder. Also called: OTOGL-related condition.
Hearing impairment. Also called: Impaired Hearing. Identifiers: MedGen C1384666, MONDO:0005365, HP:0000365.

Allele frequency attached by ClinVar (database versions not stated): gnomAD exomes 0.00052 and 0.00075; ESP Exome Variant Server 0.00057; 1000 Genomes Project 0.00060; ExAC 0.00061; 1000 Genomes Project 30x 0.00078; gnomAD 0.00101 and 0.00111; TOPMed 0.00117.
gnomAD v4.1: 990 of 1,613,152 alleles (0.061%); highest among the groups gnomAD compares: Middle Eastern, 0.56%; 5 homozygotes.

Submissions (6):

CeGaT Center for Human Genetics Tuebingen
Classification: Likely benign. Last evaluated: 2025-10-01. Review status: criteria provided, single submitter. Criteria: CeGaT Center For Human Genetics Tuebingen Variant Classification Criteria Version 2. Collection method: clinical testing. Allele origin: germline. Affected: yes. Observed: 1 variant allele.
Comment: OTOGL: BP5, BS2

Blueprint Genetics
Classification: Uncertain significance. Last evaluated: 2024-11-27. Review status: criteria provided, single submitter. Criteria: ACMG Guidelines, 2015. Collection method: clinical testing. Allele origin: germline.

Labcorp Genetics (formerly Invitae), Labcorp
Classification: Uncertain significance. Last evaluated: 2022-10-18. Review status: criteria provided, single submitter. Criteria: Invitae Variant Classification Sherloc (09022015). Collection method: clinical testing. Allele origin: germline.
Comment: This sequence change replaces proline, which is neutral and non-polar, with leucine, which is neutral and non-polar, at codon 846 of the OTOGL protein (p.Pro846Leu). This variant is present in population databases (rs183159689, gnomAD 0.2%), including at least one homozygous and/or hemizygous individual. This variant has not been reported in the literature in individuals affected with OTOGL-related conditions. ClinVar contains an entry for this variant (Variation ID: 229115). Algorithms developed to predict the effect of missense changes on protein structure and function are either unavailable or do not agree on the potential impact of this missense change (SIFT: "Tolerated"; PolyPhen-2: "Probably Damaging"; Align-GVGD: "Class C0"). In summary, the available evidence is currently insufficient to determine the role of this variant in disease. Therefore, it has been classified as a Variant of Uncertain Significance.

Department of Otolaryngology – Head & Neck Surgery, Cochlear Implant Center
Classification: Uncertain significance for Hearing impairment. Last evaluated: 2021-04-12. Review status: criteria provided, single submitter. Criteria: ClinGen HL ACMG Specifications v1. Collection method: clinical testing. Allele origin: germline. Affected: yes.
Comment: BP4_Supporting

Laboratory for Molecular Medicine, Mass General Brigham Personalized Medicine
Classification: Likely benign. Last evaluated: 2019-01-30. Review status: criteria provided, single submitter. Criteria: LMM Criteria. Collection method: clinical testing. Allele origin: germline. Observed: 4 variant alleles.
Comment: The p.Pro846Leu variant in OTOGL is classified as likely benign because it has been identified in 0.18% (65/35176) of Latino chromosomes by gnomAD, and computational prediction tools predict that this variant does not impact the protein. ACMG/AMP Criteria applied: BS1_Supporting, BP4.

PreventionGenetics, part of Exact Sciences
Classification: Likely benign for OTOGL-related condition. Last evaluated: 2023-09-19. Review status: no assertion criteria provided. Collection method: clinical testing. Allele origin: germline. Not counted in ClinVar's aggregate classification.
Comment: This variant is classified as likely benign based on ACMG/AMP sequence variant interpretation guidelines (Richards et al. 2015 PMID: 25741868, with internal and published modifications).